The following is an entry in ClinVar:

ClinVar aggregate classification (germline): Uncertain significance (1 of 4 stars; one submission).

Conditions:
Hereditary cancer-predisposing syndrome. Also called: Tumor predisposition; Hereditary neoplastic syndrome; Neoplastic Syndromes, Hereditary; Hereditary Cancer Syndrome. Identifiers: Orphanet 140162, MedGen C0027672, MeSH D009386, MONDO:0015356.

Submission:

Ambry Genetics
Classification: Uncertain significance for Hereditary cancer-predisposing syndrome. Last evaluated: 2018-10-15. Review status: criteria provided, single submitter. Criteria: Ambry Variant Classification Scheme 2023. Collection method: clinical testing. Allele origin: germline.
Comment: The p.P387A variant (also known as c.1159C>G), located in coding exon 8 of the RAD50 gene, results from a C to G substitution at nucleotide position 1159. The proline at codon 387 is replaced by alanine, an amino acid with highly similar properties. This amino acid position is highly conserved in available vertebrate species. In addition, this alteration is predicted to be tolerated by in silico analysis. Since supporting evidence is limited at this time, the clinical significance of this alteration remains unclear.

NM_005732.4(RAD50):c.1159C>G (p.Pro387Ala)

Gene: RAD50 (RAD50 double strand break repair protein; plus strand). Cytogenetic location: 5q31.1.
Variant type: single nucleotide variant.
Coding change: c.1159C>G on transcript NM_005732.4 (MANE Select); coding-DNA position 1159, C replaced by G.
Protein change: p.Pro387Ala; replaces proline 387 with alanine.
Molecular consequence: missense variant.
Genome position (GRCh38, 1-based): chr5:132,588,794, C>G. VCF-style: chr5-132588794-C-G. GRCh37 (hg19) VCF-style: chr5-131924486-C-G.
Other names: short protein forms P387A.
Identifiers: ClinVar variation 818450 (VCV000818450.4), dbSNP rs200404723, ClinGen allele CA360942724.